The following is an entry in ClinVar:

NM_017827.4(SARS2):c.189C>G (p.Phe63Leu)

Genes: SARS2 (seryl-tRNA synthetase 2, mitochondrial; minus strand), LOC130064387 (ATAC-STARR-seq lymphoblastoid active region 14604; plus strand). Cytogenetic location: 19q13.2.
Variant type: single nucleotide variant.
Coding change: c.189C>G on transcript NM_017827.4 (MANE Select); coding-DNA position 189, C replaced by G.
Protein change: p.Phe63Leu; replaces phenylalanine 63 with leucine.
Molecular consequence: missense variant.
Genome position (GRCh38, 1-based): chr19:38,930,548, G>C on the plus strand (C>G on the coding strand, the complement: SARS2 is on the minus strand). VCF-style: chr19-38930548-G-C. GRCh37 (hg19) VCF-style: chr19-39421188-G-C.
Other names: c.189C>G, p.Phe63Leu (NM_001145901.2); short protein forms F63L.
Identifiers: ClinVar variation 3897380 (VCV003897380.1).

ClinVar aggregate classification (germline): Uncertain significance (1 of 4 stars; one submission).

gnomAD v4.1: 3 of 1,613,770 alleles (0.00019%); highest among the groups gnomAD compares: Non-Finnish European, 0.00025%; no homozygotes.

Submission:

GeneDx
Classification: Uncertain significance. Last evaluated: 2024-10-30. Review status: criteria provided, single submitter. Criteria: GeneDx Variant Classification Process June 2021. Collection method: clinical testing. Allele origin: germline. Affected: yes.
Comment: Not observed at significant frequency in large population cohorts (gnomAD); In silico analysis indicates that this missense variant does not alter protein structure/function; Has not been previously published as pathogenic or benign to our knowledge